The following is an entry in ClinVar:

NC_000002.11:g.(?_55910900)_(55920958_?)dup

Gene: PNPT1 (polyribonucleotide nucleotidyltransferase 1; minus strand). Cytogenetic location: 2p16.1.
Variant type: Duplication.
Identifiers: ClinVar variation 1037964 (VCV001037964.2).

ClinVar aggregate classification (germline): Uncertain significance (1 of 4 stars; one submission).

Submission:

Labcorp Genetics (formerly Invitae), Labcorp
Classification: Uncertain significance. Last evaluated: 2022-10-28. Review status: criteria provided, single submitter. Criteria: Invitae Variant Classification Sherloc (09022015). Collection method: clinical testing. Allele origin: germline.
Comment: This variant results in a copy number gain of the genomic region encompassing exon(s) 1-5 of the PNPT1 gene. This region includes the initiator codon of the gene. This copy number gain extends beyond the assayed region for this gene and therefore may encompass additional genes. As the precise location of this event is unknown, it may be in tandem or it may be located elsewhere in the genome. This variant has not been reported in the literature in individuals affected with PNPT1-related conditions. Experimental studies and prediction algorithms are not available or were not evaluated, and the functional significance of this variant is currently unknown. In summary, the available evidence is currently insufficient to determine the role of this variant in disease. Therefore, it has been classified as a Variant of Uncertain Significance.